The following is an entry in ClinVar:

ClinVar aggregate classification (germline): Likely pathogenic. Review status: reviewed by expert panel (3 of 4 stars). 3 submissions from 3 submitters: Likely pathogenic (1). 2 of the submissions do not count toward it. Last evaluated 2026-04-09.

Conditions:
Glycogen storage disease, type II (IOPD). Also called: Glucosidase acid-1,4-alpha deficiency; Pompe Disease; CARDIOMEGALIA GLYCOGENICA DIFFUSA; GLYCOGENOSIS, GENERALIZED, CARDIAC FORM; GSD II; Glycogen storage disease type 2. Identifiers: Orphanet 365, MedGen C0017921, MONDO:0009290, OMIM 232300.

Submissions (3):

ClinGen Lysosomal Storage Disorder Variant Curation Expert Panel
Classification: Likely pathogenic for Glycogen storage disease, type II. Last evaluated: 2026-04-09. Review status: reviewed by expert panel. Criteria: clingen_lsd_acmg_specifications_v2-1. Collection method: curation. Allele origin: germline. Inheritance: Autosomal recessive inheritance.
Comment: The NM_000152.5:c.1567del (p.Ser523ProfsTer55) variant in GAA is a frameshift variant predicted to cause a premature stop codon in exon 12 out of a total of 20 exons, leading to nonsense mediated decay in a gene in which loss-of-function is an established disease mechanism (PVS1). The variant is absent in gnomAD v4.1.0. (PM2_Supporting). To our knowledge, this variant has not been reported in the literature in individuals with Pompe disease, and results of experimental studies are not available. There is a ClinVar entry for this variant (Variation ID: 371433). The classification of this variant has been upgraded from Variant of Uncertain Significance to Likely Pathogenic based on the recommendations of the ClinGen Sequence Variant Interpretation Working Group, that a variant meeting PVS1 and PM2_Supporting is classified as Likely Pathogenic. In summary, this variant meets the criteria to be classified as likely pathogenic for Pompe disease. GAA-specific ACMG/AMP criteria met, based on the specifications of the ClinGen Lysosomal Diseases VCEP (Specifications Version 2.0): PVS1, PM2_Supporting. (Classification approved by the ClinGen Lysosomal Diseases VCEP, April 9, 2026).

Baylor Genetics
Classification: Likely pathogenic for Glycogen storage disease, type II. Last evaluated: 2023-11-27. Review status: criteria provided, single submitter. Criteria: ACMG Guidelines, 2015. Collection method: clinical testing. Allele origin: unknown. Not counted in ClinVar's aggregate classification.

Counsyl
Classification: Likely pathogenic for Glycogen storage disease, type II. Last evaluated: 2016-09-30. Review status: no assertion criteria provided. Collection method: clinical testing. Allele origin: unknown. Not counted in ClinVar's aggregate classification.

NM_000152.5(GAA):c.1567del (p.Ser523fs)

Gene: GAA (alpha glucosidase; plus strand). Cytogenetic location: 17q25.3.
Variant type: Deletion.
Coding change: c.1567del on transcript NM_000152.5 (MANE Select); coding-DNA position 1567, one base deleted (T; older notation c.1567delT).
Protein change: p.Ser523fs; shifts the reading frame from serine 523.
Molecular consequence: frameshift variant.
Genome position (GRCh38, 1-based): chr17:80,110,956, T deleted; the last of 2 consecutive T bases (chr17:80,110,955-80,110,956); deleting either gives the same sequence. VCF-style (leftmost placement, unchanged base first): chr17-80110954-CT-C. GRCh37 (hg19) VCF-style: chr17-78084753-CT-C.
Other names: c.1567del (LRG_673t1); c.1567del, p.Ser523fs (NM_001079803.3, NM_001079804.3); short protein forms S523fs.
Identifiers: ClinVar variation 371433 (VCV000371433.9), dbSNP rs1057517267, ClinGen allele CA16041894.